The following is an entry in ClinVar:

ClinVar aggregate classification (germline): Uncertain significance. Review status: criteria provided, multiple submitters, no conflicts (2 of 4 stars). 2 submissions from 2 submitters: Uncertain significance (2). Last evaluated 2025-08-20.

Conditions:
Inborn genetic diseases. Identifiers: MedGen C0950123, MeSH D030342.

Allele frequency attached by ClinVar (database versions not stated): gnomAD exomes below 0.00001; TOPMed below 0.00001.
gnomAD v4.1: 2 of 1,614,086 alleles (0.00012%); highest among the groups gnomAD compares: Admixed American, 0.0017%; no homozygotes.

Submissions (2):

Ambry Genetics
Classification: Uncertain significance for Inborn genetic diseases. Last evaluated: 2025-08-20. Review status: criteria provided, single submitter. Criteria: Ambry Variant Classification Scheme 2023. Collection method: clinical testing. Allele origin: germline.

Labcorp Genetics (formerly Invitae), Labcorp
Classification: Uncertain significance. Last evaluated: 2022-06-29. Review status: criteria provided, single submitter. Criteria: Invitae Variant Classification Sherloc (09022015). Collection method: clinical testing. Allele origin: germline.
Comment: This sequence change replaces methionine, which is neutral and non-polar, with valine, which is neutral and non-polar, at codon 2217 of the VPS13A protein (p.Met2217Val). This variant is present in population databases (no rsID available, gnomAD 0.003%). This variant has not been reported in the literature in individuals affected with VPS13A-related conditions. Algorithms developed to predict the effect of missense changes on protein structure and function are either unavailable or do not agree on the potential impact of this missense change (SIFT: "Deleterious"; PolyPhen-2: "Possibly Damaging"; Align-GVGD: "Class C0"). In summary, the available evidence is currently insufficient to determine the role of this variant in disease. Therefore, it has been classified as a Variant of Uncertain Significance.

NM_033305.3(VPS13A):c.6649A>G (p.Met2217Val)

Gene: VPS13A (vacuolar protein sorting 13 homolog A; plus strand). Cytogenetic location: 9q21.2.
Variant type: single nucleotide variant.
Coding change: c.6649A>G on transcript NM_033305.3 (MANE Select); coding-DNA position 6649, A replaced by G.
Protein change: p.Met2217Val; replaces methionine 2217 with valine.
Molecular consequence: missense variant.
Genome position (GRCh38, 1-based): chr9:77,339,786, A>G. VCF-style: chr9-77339786-A-G. GRCh37 (hg19) VCF-style: chr9-79954702-A-G.
Other names: c.6649A>G (NM_033305.2); c.6532A>G, p.Met2178Val (NM_001018037.2); c.6649A>G, p.Met2217Val (NM_001018038.3, NM_015186.4); short protein forms M2178V, M2217V.
Identifiers: ClinVar variation 2043824 (VCV002043824.2), dbSNP rs1321769013, ClinGen allele CA373851295.